The following is an entry in ClinVar:

ClinVar aggregate classification (germline): Likely benign (0 of 4 stars; one submission).

Conditions:
SREBF2-related disorder. Also called: SREBF2-related condiiton.

Allele frequency attached by ClinVar (database versions not stated): ExAC 0.00048; ESP Exome Variant Server 0.00161; 1000 Genomes Project 0.00180; 1000 Genomes Project 30x 0.00203.
gnomAD v4.1: 341 of 1,614,148 alleles (0.021%); highest among the groups gnomAD compares: African/African-American, 0.4%; no homozygotes.

Submission:

PreventionGenetics, part of Exact Sciences
Classification: Likely benign for SREBF2-related condition. Last evaluated: 2019-10-21. Review status: no assertion criteria provided. Collection method: clinical testing. Allele origin: germline.
Comment: This variant is classified as likely benign based on ACMG/AMP sequence variant interpretation guidelines (Richards et al. 2015 PMID: 25741868, with internal and published modifications).

NM_004599.4(SREBF2):c.2421G>A (p.Leu807=)

Gene: SREBF2 (sterol regulatory element binding transcription factor 2; plus strand). Cytogenetic location: 22q13.2.
Variant type: single nucleotide variant.
Coding change: c.2421G>A on transcript NM_004599.4 (MANE Select); coding-DNA position 2421, G replaced by A.
Protein change: p.Leu807=; no amino-acid change (leucine 807 retained).
Molecular consequence: synonymous variant. On other transcripts: non-coding transcript variant (1).
Genome position (GRCh38, 1-based): chr22:41,894,863, G>A. VCF-style: chr22-41894863-G-A. GRCh37 (hg19) VCF-style: chr22-42290867-G-A.
Identifiers: ClinVar variation 3041080 (VCV003041080.2), dbSNP rs139099680, ClinGen allele CA10261950.